The following is an entry in ClinVar:

ClinVar aggregate classification (germline): Pathogenic. Review status: criteria provided, multiple submitters, no conflicts (2 of 4 stars). 2 submissions from 2 submitters: Pathogenic (2). Last evaluated 2024-03-16.

Submissions (2):

Labcorp Genetics (formerly Invitae), Labcorp
Classification: Pathogenic. Last evaluated: 2024-03-16. Review status: criteria provided, single submitter. Criteria: Invitae Variant Classification Sherloc (09022015). Collection method: clinical testing. Allele origin: germline.
Comment: This sequence change creates a premature translational stop signal (p.Tyr256*) in the CDHR1 gene. It is expected to result in an absent or disrupted protein product. Loss-of-function variants in CDHR1 are known to be pathogenic (PMID: 23044944, 23591405, 26103963, 26261414). This variant is not present in population databases (gnomAD no frequency). This variant has not been reported in the literature in individuals affected with CDHR1-related conditions. ClinVar contains an entry for this variant (Variation ID: 1184878). Algorithms developed to predict the effect of sequence changes on RNA splicing suggest that this variant may disrupt the consensus splice site. For these reasons, this variant has been classified as Pathogenic.

Institute of Medical Genetics and Applied Genomics, University Hospital Tübingen
Classification: Pathogenic. Last evaluated: 2021-06-17. Review status: criteria provided, single submitter. Criteria: ACMG Guidelines, 2015. Collection method: clinical testing. Allele origin: germline. Inheritance: Autosomal recessive inheritance. Affected: yes.

Literature cited by the submitters: PubMed 23044944 (cited by Labcorp Genetics (formerly Invitae), Labcorp); PubMed 23591405 (cited by Labcorp Genetics (formerly Invitae), Labcorp); PubMed 26103963 (cited by Labcorp Genetics (formerly Invitae), Labcorp); PubMed 26261414 (cited by Labcorp Genetics (formerly Invitae), Labcorp).

NM_033100.4(CDHR1):c.768C>G (p.Tyr256Ter)

Gene: CDHR1 (cadherin related family member 1; plus strand). Cytogenetic location: 10q23.1.
Variant type: single nucleotide variant.
Coding change: c.768C>G on transcript NM_033100.4 (MANE Select); coding-DNA position 768, C replaced by G.
Protein change: p.Tyr256Ter; replaces tyrosine 256 with a stop codon.
Molecular consequence: nonsense.
Genome position (GRCh38, 1-based): chr10:84,203,108, C>G. VCF-style: chr10-84203108-C-G. GRCh37 (hg19) VCF-style: chr10-85962864-C-G.
Other names: c.768C>G, p.Tyr256Ter (NM_001171971.3); short protein forms Y256*.
Identifiers: ClinVar variation 1184878 (VCV001184878.5), dbSNP rs769081286, ClinGen allele CA377372792.